The following is an entry in ClinVar:

ClinVar aggregate classification (germline): Uncertain significance. Review status: criteria provided, multiple submitters, no conflicts (2 of 4 stars). 2 submissions from 2 submitters: Uncertain significance (2). Last evaluated 2023-12-11.

Conditions:
Treacher Collins syndrome 1 (TCS1). Also called: TCOF1-Related Treacher Collins Syndrome. Identifiers: Orphanet 861, MedGen CN315775, MONDO:0007944, OMIM 154500.
Inborn genetic diseases. Identifiers: MedGen C0950123, MeSH D030342.

gnomAD v4.1: 5 of 1,613,068 alleles (0.00031%); highest among the groups gnomAD compares: Admixed American, 0.0017%; no homozygotes.

Submissions (2):

Labcorp Genetics (formerly Invitae), Labcorp
Classification: Uncertain significance for Treacher Collins syndrome 1. Last evaluated: 2023-12-11. Review status: criteria provided, single submitter. Criteria: Invitae Variant Classification Sherloc (09022015). Collection method: clinical testing. Allele origin: germline.
Comment: This sequence change replaces proline, which is neutral and non-polar, with threonine, which is neutral and polar, at codon 1015 of the TCOF1 protein (p.Pro1015Thr). This variant is present in population databases (no rsID available, gnomAD 0.007%). This variant has not been reported in the literature in individuals affected with TCOF1-related conditions. ClinVar contains an entry for this variant (Variation ID: 2473823). An algorithm developed to predict the effect of missense changes on protein structure and function (PolyPhen-2) suggests that this variant is likely to be disruptive. In summary, the available evidence is currently insufficient to determine the role of this variant in disease. Therefore, it has been classified as a Variant of Uncertain Significance.

Ambry Genetics
Classification: Uncertain significance for Inborn genetic diseases. Last evaluated: 2023-02-01. Review status: criteria provided, single submitter. Criteria: Ambry Variant Classification Scheme 2023. Collection method: clinical testing. Allele origin: germline.

NM_001371623.1(TCOF1):c.3043C>A (p.Pro1015Thr)

Gene: TCOF1 (treacle ribosome biogenesis factor 1; plus strand). Cytogenetic location: 5q32.
Variant type: single nucleotide variant.
Coding change: c.3043C>A on transcript NM_001371623.1 (MANE Select); coding-DNA position 3043, C replaced by A.
Protein change: p.Pro1015Thr; replaces proline 1015 with threonine.
Molecular consequence: missense variant.
Genome position (GRCh38, 1-based): chr5:150,388,085, C>A. VCF-style: chr5-150388085-C-A. GRCh37 (hg19) VCF-style: chr5-149767648-C-A.
Other names: c.2812C>A, p.Pro938Thr (NM_000356.4, NM_001135245.2); c.3043C>A, p.Pro1015Thr (NM_001135243.2, NM_001135244.2, NM_001195141.2); short protein forms P938T, P1015T.
Identifiers: ClinVar variation 2473823 (VCV002473823.5), dbSNP rs752480094, ClinGen allele CA129147033.
Genomic context (GRCh38, chr5:150,388,085, plus strand): 5'-AGGAGCTCCTCCTCCGAGAGCGAGGATGAGGACGTGATCCCCGCTACACAGTGCTTGACT[C>A]CTGGTGAGCGCAGCCCTTATGCAGTGGTGGGAGGGGCTGCCAGCACTGCCCCACATTGAG-3'
Protein context (NP_001358552.1, residues 1005-1025): DVIPATQCLT[Pro1015Thr]GIRTNVVTMP